The following is an entry in ClinVar:

NM_000032.5(ALAS2):c.1092G>A (p.Leu364=)

Gene: ALAS2 (5'-aminolevulinate synthase 2; minus strand). Cytogenetic location: Xp11.21.
Variant type: single nucleotide variant.
Coding change: c.1092G>A on transcript NM_000032.5 (MANE Select); coding-DNA position 1092, G replaced by A.
Protein change: p.Leu364=; no amino-acid change (leucine 364 retained).
Molecular consequence: synonymous variant.
Genome position (GRCh38, 1-based): chrX:55,015,654, C>T on the plus strand (G>A on the coding strand, the complement: ALAS2 is on the minus strand). VCF-style: chrX-55015654-C-T. GRCh37 (hg19) VCF-style: chrX-55042087-C-T.
Other names: p.L364L:CTG>CTA; c.1092G>A, p.Leu364= (LRG_1163t1); c.981G>A, p.Leu327= (NM_001037967.4); c.1053G>A, p.Leu351= (NM_001037968.4).
Identifiers: ClinVar variation 136353 (VCV000136353.17), dbSNP rs150494562, ClinGen allele CA289376.
Genomic context (GRCh38, chrX:55,015,654, plus strand): 5'-GATGTCAATCTTATGCATAATTCCATCACGCTCCCCAATCCCAGCGCCCCGGGACCCATA[C>T]AGTCCTACAGCATGGACCTCATCCACGAAGGTCAGGGCCCCATACTGGTGGGACACATCA-3'
Protein context (NP_000023.2, residues 354-374): TFVDEVHAVG[Leu364=]YGSRGAGIGE

ClinVar aggregate classification (germline): Benign/Likely benign. Review status: criteria provided, multiple submitters, no conflicts (2 of 4 stars). 6 submissions from 6 submitters: Benign (5); Likely benign (1). Last evaluated 2026-02-01.

Conditions:
X-linked sideroblastic anemia 1. Also called: Erythroid 5-aminolevulinate synthase deficiency; X chromosome-linked sideroblastic anemia; ANEMIA, SIDEROBLASTIC, 1, PYRIDOXINE REFRACTORY; Anemia, sideroblastic, 1; X-linked pyridoxine-refractory sideroblastic anemia; Anemia, hereditary sideroblastic 1, pyridoxine refractory. Identifiers: Orphanet 75563, MedGen C4551511, MONDO:0020721, OMIM 300751. Disease mechanism: loss of function.

Allele frequency attached by ClinVar (database versions not stated): gnomAD 0.00357 and 0.00355; TOPMed 0.00402; ESP Exome Variant Server 0.00407; 1000 Genomes Project 0.00636; 1000 Genomes Project 30x 0.00687; gnomAD exomes 0.00035 and 0.00115; ExAC 0.00140.
gnomAD v4.1: 864 of 1,209,091 alleles (0.071%); highest among the groups gnomAD compares: African/African-American, 1.2%; 8 homozygotes.

Submissions (6):

Labcorp Genetics (formerly Invitae), Labcorp
Classification: Benign. Last evaluated: 2026-02-01. Review status: criteria provided, single submitter. Criteria: Invitae Variant Classification Sherloc (09022015). Collection method: clinical testing. Allele origin: germline.

Blueprint Genetics
Classification: Likely benign. Last evaluated: 2024-09-24. Review status: criteria provided, single submitter. Criteria: ACMG Guidelines, 2015. Collection method: clinical testing. Allele origin: germline.

Genetic Services Laboratory, University of Chicago
Classification: Benign. Last evaluated: 2019-10-28. Review status: criteria provided, single submitter. Criteria: ACMG Guidelines, 2015. Collection method: clinical testing. Allele origin: germline. Affected: no.

Illumina Laboratory Services, Illumina
Classification: Benign for X-linked sideroblastic anemia 1. Last evaluated: 2018-01-13. Review status: criteria provided, single submitter. Criteria: ICSL Variant Classification Criteria 13 December 2019. Collection method: clinical testing. Allele origin: germline.
Comment: This variant was observed in the ICSL laboratory as part of a predisposition screen in an ostensibly healthy population. It had not been previously curated by ICSL or reported in the Human Gene Mutation Database (HGMD: prior to June 1st, 2018), and was therefore a candidate for classification through an automated scoring system. Utilizing variant allele frequency, disease prevalence and penetrance estimates, and inheritance mode, an automated score was calculated to assess if this variant is too frequent to cause the disease. Based on the score and internal cut-off values, a variant classified as benign is not then subjected to further curation. The score for this variant resulted in a classification of benign for this disease.

GeneDx
Classification: Benign. Last evaluated: 2014-01-18. Review status: criteria provided, single submitter. Criteria: GeneDx Variant Classification (06012015). Collection method: clinical testing. Allele origin: germline. Affected: yes.
Comment: This variant is considered likely benign or benign based on one or more of the following criteria: it is a conservative change, it occurs at a poorly conserved position in the protein, it is predicted to be benign by multiple in silico algorithms, and/or has population frequency not consistent with disease.

Breakthrough Genomics
Classification: Benign. Review status: criteria provided, single submitter. Criteria: ACMG Guidelines, 2015. Collection method: not provided. Allele origin: germline. Inheritance: X-linked inheritance. Affected: yes.